The following is an entry in ClinVar:

ClinVar aggregate classification (germline): Uncertain significance (1 of 4 stars; one submission).

Allele frequency attached by ClinVar (database versions not stated): ExAC 0.00010; gnomAD 0.00024; 1000 Genomes Project 0.00040; ESP Exome Variant Server 0.00051.

Submissions (2):

Labcorp Genetics (formerly Invitae), Labcorp
Classification: Uncertain significance. Last evaluated: 2023-03-08. Review status: criteria provided, single submitter. Criteria: Invitae Variant Classification Sherloc (09022015). Collection method: clinical testing. Allele origin: germline.
Comment: In summary, the available evidence is currently insufficient to determine the role of this variant in disease. Therefore, it has been classified as a Variant of Uncertain Significance. Variants that disrupt the consensus splice site are a relatively common cause of aberrant splicing (PMID: 17576681, 9536098). An algorithm developed to predict the effect of missense changes on protein structure and function (PolyPhen-2) suggests that this variant¬† is likely to be tolerated. ClinVar contains an entry for this variant (Variation ID: 2185229). This variant has not been reported in the literature in individuals affected with LARP7-related conditions. This variant is present in population databases (rs199621386, gnomAD 0.09%). This sequence change replaces glutamic acid, which is acidic and polar, with aspartic acid, which is acidic and polar, at codon 184 of the LARP7 protein (p.Glu184Asp). This variant also falls at the last nucleotide of exon 5, which is part of the consensus splice site for this exon.

Dr. Peter K. Rogan Lab, Western University
No classification provided (evidence only). Condition: Ovarian serous cystadenocarcinoma. Review status: no classification provided. Collection method: in vitro. Allele origin: not applicable. Functional consequence: retained intron. Not counted in ClinVar's aggregate classification.

Literature cited by the submitters: PubMed 17576681 (cited by Labcorp Genetics (formerly Invitae), Labcorp); PubMed 9536098 (cited by Labcorp Genetics (formerly Invitae), Labcorp).

NM_016648.4(LARP7):c.552G>C (p.Glu184Asp)

Genes: LARP7 (La ribonucleoprotein 7, transcriptional regulator; plus strand), MIR302CHG (miR-302/367 cluster host gene; minus strand). Cytogenetic location: 4q25.
Variant type: single nucleotide variant.
Coding change: c.552G>C on transcript NM_016648.4 (MANE Select); coding-DNA position 552, G replaced by C.
Protein change: p.Glu184Asp; replaces glutamic acid 184 with aspartic acid.
Molecular consequence: missense variant. On other transcripts: non-coding transcript variant (3).
Genome position (GRCh38, 1-based): chr4:112,646,955, G>C. VCF-style: chr4-112646955-G-C. GRCh37 (hg19) VCF-style: chr4-113568111-G-C.
Other names: c.552G>C, p.Glu184Asp (NM_001267039.4, NM_001370974.1, NM_001370975.1 and 6 more transcripts); c.315G>C, p.Glu105Asp (NM_001370981.1, NM_001370982.1); short protein forms E105D, E184D.
Identifiers: ClinVar variation 2185229 (VCV002185229.3), dbSNP rs199621386, ClinGen allele CA3049120.